The following is an entry in ClinVar:

ClinVar aggregate classification (germline): Likely pathogenic. Review status: criteria provided, multiple submitters, no conflicts (2 of 4 stars). 2 submissions from 2 submitters: Likely pathogenic (2). Last evaluated 2025-10-25.

Conditions:
Fanconi anemia complementation group L (FANCL). Also called: FANCL-Related Fanconi Anemia. Identifiers: Orphanet 84, MedGen C3469528, MONDO:0013566, OMIM 614083.
Fanconi anemia (FA). Also called: Fanconi's anemia. Identifiers: Orphanet 84, MedGen C0015625, MeSH D005199, MONDO:0019391.

Allele frequency attached by ClinVar (database versions not stated): gnomAD 0.00001; gnomAD exomes 0.00001; TOPMed 0.00001; ExAC 0.00002.

Submissions (2):

Labcorp Genetics (formerly Invitae), Labcorp
Classification: Likely pathogenic for Fanconi anemia. Last evaluated: 2025-10-25. Review status: criteria provided, single submitter. Criteria: Invitae Variant Classification Sherloc (09022015). Collection method: clinical testing. Allele origin: germline.
Comment: This sequence change affects a splice site in intron 11 of the FANCL gene. It is expected to disrupt RNA splicing. Variants that disrupt the donor or acceptor splice site typically lead to a loss of protein function (PMID: 16199547), and loss-of-function variants in FANCL are known to be pathogenic (PMID: 19405097, 23613520). This variant is present in population databases (rs779587713, gnomAD 0.003%). This variant has not been reported in the literature in individuals affected with FANCL-related conditions. ClinVar contains an entry for this variant (Variation ID: 2194330). Algorithms developed to predict the effect of sequence changes on RNA splicing suggest that this variant may disrupt the consensus splice site. In summary, the currently available evidence indicates that the variant is pathogenic, but additional data are needed to prove that conclusively. Therefore, this variant has been classified as Likely Pathogenic.

Baylor Genetics
Classification: Likely pathogenic for Fanconi anemia complementation group L. Last evaluated: 2023-12-10. Review status: criteria provided, single submitter. Criteria: ACMG Guidelines, 2015. Collection method: clinical testing. Allele origin: unknown.

Literature cited by the submitters: PubMed 16199547 (cited by Labcorp Genetics (formerly Invitae), Labcorp); PubMed 19405097 (cited by Labcorp Genetics (formerly Invitae), Labcorp); PubMed 23613520 (cited by Labcorp Genetics (formerly Invitae), Labcorp).

NM_018062.4(FANCL):c.903+1del

Gene: FANCL (FA complementation group L; minus strand). Cytogenetic location: 2p16.1.
Variant type: Deletion.
Coding change: c.903+1del on transcript NM_018062.4 (MANE Select); the canonical splice donor site of the intron after coding-DNA position 903, one base deleted (G; older notation c.903+1delG).
Molecular consequence: splice donor variant.
Genome position (GRCh38, 1-based): chr2:58,162,865, C deleted on the plus strand (G on the coding strand, the reverse complement: FANCL is on the minus strand). VCF-style (leftmost placement, unchanged base first): chr2-58162864-AC-A. GRCh37 (hg19) VCF-style: chr2-58389999-AC-A.
Other names: c.948+1del (NM_001374615.1); c.918+1del (NM_001114636.2); c.963+1del (NM_001410792.1).
Identifiers: ClinVar variation 2194330 (VCV002194330.6), dbSNP rs779587713, ClinGen allele CA1670407.